The following is an entry in ClinVar:

ClinVar aggregate classification (germline): Uncertain significance. Review status: criteria provided, multiple submitters, no conflicts (2 of 4 stars). 2 submissions from 2 submitters: Uncertain significance (2). Last evaluated 2025-07-02.

Conditions:
Immunodeficiency 51 (IMD51). Also called: CANDIDIASIS, FAMILIAL, 5. Identifiers: Orphanet 1334, MedGen C4310803, MONDO:0013500, OMIM 613953.

Allele frequency attached by ClinVar (database versions not stated): gnomAD exomes 0.00002.
gnomAD v4.1: 25 of 1,382,378 alleles (0.0018%); highest among the groups gnomAD compares: East Asian, 0.003%; no homozygotes.

Submissions (2):

Ambry Genetics
Classification: Uncertain significance. Last evaluated: 2025-07-02. Review status: criteria provided, single submitter. Criteria: Ambry Variant Classification Scheme 2023. Collection method: clinical testing. Allele origin: germline.

Labcorp Genetics (formerly Invitae), Labcorp
Classification: Uncertain significance for Immunodeficiency 51. Last evaluated: 2024-10-29. Review status: criteria provided, single submitter. Criteria: Invitae Variant Classification Sherloc (09022015). Collection method: clinical testing. Allele origin: germline.
Comment: This sequence change replaces proline, which is neutral and non-polar, with leucine, which is neutral and non-polar, at codon 8 of the IL17RA protein (p.Pro8Leu). This variant is not present in population databases (gnomAD no frequency). This variant has not been reported in the literature in individuals affected with IL17RA-related conditions. ClinVar contains an entry for this variant (Variation ID: 1348607). Experimental studies and prediction algorithms are not available or were not evaluated, and the functional significance of this variant is currently unknown. In summary, the available evidence is currently insufficient to determine the role of this variant in disease. Therefore, it has been classified as a Variant of Uncertain Significance.

NM_014339.7(IL17RA):c.23C>T (p.Pro8Leu)

Genes: IL17RA (interleukin 17 receptor A; plus strand), LOC130066894 (ATAC-STARR-seq lymphoblastoid silent region 13430; plus strand). Cytogenetic location: 22q11.1.
Variant type: single nucleotide variant.
Coding change: c.23C>T on transcript NM_014339.7 (MANE Select); coding-DNA position 23, C replaced by T.
Protein change: p.Pro8Leu; replaces proline 8 with leucine.
Molecular consequence: missense variant.
Genome position (GRCh38, 1-based): chr22:17,085,114, C>T. VCF-style: chr22-17085114-C-T. GRCh37 (hg19) VCF-style: chr22-17566004-C-T.
Other names: c.23C>T (NM_014339.5); c.23C>T, p.Pro8Leu (NM_001289905.2); short protein forms P8L.
Identifiers: ClinVar variation 1348607 (VCV001348607.9), dbSNP rs2123786576, ClinGen allele CA410210102.